The following is an entry in ClinVar:

ClinVar aggregate classification (germline): Likely benign (1 of 4 stars; one submission).

Submission:

CeGaT Center for Human Genetics Tuebingen
Classification: Likely benign. Last evaluated: 2025-11-01. Review status: criteria provided, single submitter. Criteria: CeGaT Center For Human Genetics Tuebingen Variant Classification Criteria Version 2. Collection method: clinical testing. Allele origin: germline. Affected: yes. Observed: 1 variant allele.
Comment: TAF4: PM2:Supporting, BP4, BP7

NM_003185.4(TAF4):c.1251G>A (p.Thr417=)

Gene: TAF4 (TATA-box binding protein associated factor 4; minus strand). Cytogenetic location: 20q13.33.
Variant type: single nucleotide variant.
Coding change: c.1251G>A on transcript NM_003185.4 (MANE Select); coding-DNA position 1251, G replaced by A.
Protein change: p.Thr417=; no amino-acid change (threonine 417 retained).
Molecular consequence: synonymous variant.
Genome position (GRCh38, 1-based): chr20:62,064,560, C>T on the plus strand (G>A on the coding strand, the complement: TAF4 is on the minus strand). VCF-style: chr20-62064560-C-T. GRCh37 (hg19) VCF-style: chr20-60639616-C-T.
Identifiers: ClinVar variation 4535177 (VCV004535177.6).
Genomic context (GRCh38, chr20:62,064,560, plus strand): 5'-CGGCAAGCGGGGGGCCAGCACGGTGGGCGTCAGGGTGGCCCGAATCCCGCTGGTGGTGGC[C>T]GTGGGCGTCCGGGACAGGCTCTGGGTCACTGCGCCGGCCGCGCCTTTGGGCAGCCCGGTG-3'
Protein context (NP_003176.2, residues 407-427): AVTQSLSRTP[Thr417=]ATTSGIRATL